The following is an entry in ClinVar:

ClinVar aggregate classification (germline): Uncertain significance (1 of 4 stars; one submission).

Submission:

GeneDx
Classification: Uncertain significance. Last evaluated: 2026-02-16. Review status: criteria provided, single submitter. Criteria: GeneDx Variant Classification Process June 2021. Collection method: clinical testing. Allele origin: germline.
Comment: Not observed at significant frequency in large population cohorts (gnomAD); Frameshift variant predicted to result in protein truncation or nonsense mediated decay in a gene or region of a gene for which loss of function is not a well-established mechanism of disease; Has not been previously published as pathogenic or benign to our knowledge

NM_004539.4(NARS1):c.1082_1085dup (p.Asp363fs)

Gene: NARS1 (asparaginyl-tRNA synthetase 1; minus strand). Cytogenetic location: 18q21.31.
Variant type: Duplication.
Coding change: c.1082_1085dup on transcript NM_004539.4 (MANE Select); coding-DNA positions 1082 to 1085, 4 bases duplicated (TGGT; older notation c.1082_1085dupTGGT).
Protein change: p.Asp363fs; shifts the reading frame from aspartic acid 363.
Molecular consequence: frameshift variant.
Genome position (GRCh38, 1-based): chr18:57,606,668-57,606,671, ACCA duplicated on the plus strand (TGGT on the coding strand, the reverse complement: NARS1 is on the minus strand). VCF-style (leftmost placement, unchanged base first): chr18-57606667-T-TACCA. GRCh37 (hg19) VCF-style: chr18-55273899-T-TACCA.
Other names: short protein forms D363fs.
Identifiers: ClinVar variation 5009611 (VCV005009611.1).